The following is an entry in ClinVar:

NM_005422.4(TECTA):c.4073C>T (p.Thr1358Met)

Genes: TBCEL-TECTA (TBCEL-TECTA readthrough; plus strand), TECTA (tectorin alpha; plus strand). Cytogenetic location: 11q23.3.
Variant type: single nucleotide variant.
Coding change: c.4073C>T on transcript NM_005422.4 (MANE Select); coding-DNA position 4073, C replaced by T.
Protein change: p.Thr1358Met; replaces threonine 1358 with methionine.
Molecular consequence: missense variant.
Genome position (GRCh38, 1-based): chr11:121,146,084, C>T. VCF-style: chr11-121146084-C-T. GRCh37 (hg19) VCF-style: chr11-121016793-C-T.
Other names: c.5030C>T, p.Thr1677Met (NM_001378761.1); short protein forms T1358M, T1677M.
Identifiers: ClinVar variation 3899643 (VCV003899643.1).

ClinVar aggregate classification (germline): Uncertain significance (1 of 4 stars; one submission).

Submission:

GeneDx
Classification: Uncertain significance. Last evaluated: 2024-11-13. Review status: criteria provided, single submitter. Criteria: GeneDx Variant Classification Process June 2021. Collection method: clinical testing. Allele origin: germline. Affected: yes.
Comment: Not observed at significant frequency in large population cohorts (gnomAD); In silico analysis indicates that this missense variant does not alter protein structure/function; Has not been previously published as pathogenic or benign to our knowledge; This variant is associated with the following publications: (PMID: 21520338, 31554319, 9590290)